The following is an entry in ClinVar:

ClinVar aggregate classification (germline): Likely benign. Review status: criteria provided, multiple submitters, no conflicts (2 of 4 stars). 3 submissions from 3 submitters: Likely benign (2). 1 of the submissions does not count toward it. Last evaluated 2026-07-01.

Conditions:
Gnathodiaphyseal dysplasia (GDD). Also called: GNATHODIAPHYSEAL SCLEROSIS; OSTEOGENESIS IMPERFECTA WITH UNUSUAL SKELETAL LESIONS. Identifiers: Orphanet 53697, MedGen C1833736, MONDO:0008151, OMIM 166260.
Autosomal recessive limb-girdle muscular dystrophy type 2L (LGMDR12). Also called: Limb-Girdle Muscular Dystrophy R12 Anoctamin-5-Related (LGMD-R12); Limb-girdle muscular dystrophy, type 2L; MUSCULAR DYSTROPHY, LIMB-GIRDLE, AUTOSOMAL RECESSIVE 12. Identifiers: Orphanet 206549, MedGen C1969785, MONDO:0012652, OMIM 611307.
ANO5-related disorder. Also called: ANO5-related condition; ANO5-related disorders. Identifiers: MedGen CN239193.

Allele frequency attached by ClinVar (database versions not stated): gnomAD exomes below 0.00001 and 0.00002; ExAC 0.00002; gnomAD 0.00002; TOPMed 0.00003.
gnomAD v4.1: 22 of 1,613,338 alleles (0.0014%); highest among the groups gnomAD compares: East Asian, 0.02%; 1 homozygote.

Submissions (3):

CeGaT Center for Human Genetics Tuebingen
Classification: Likely benign. Last evaluated: 2026-07-01. Review status: criteria provided, single submitter. Criteria: CeGaT Center For Human Genetics Tuebingen Variant Classification Criteria Version 2. Collection method: clinical testing. Allele origin: germline. Affected: yes. Observed: 1 variant allele.
Comment: ANO5: BP4, BP7

Labcorp Genetics (formerly Invitae), Labcorp
Classification: Likely benign for Autosomal recessive limb-girdle muscular dystrophy type 2L; Gnathodiaphyseal dysplasia. Last evaluated: 2025-12-02. Review status: criteria provided, single submitter. Criteria: Invitae Variant Classification Sherloc (09022015). Collection method: clinical testing. Allele origin: germline.

PreventionGenetics, part of Exact Sciences
Classification: Likely benign for ANO5-related condition. Last evaluated: 2021-10-18. Review status: no assertion criteria provided. Collection method: clinical testing. Allele origin: germline. Not counted in ClinVar's aggregate classification.
Comment: This variant is classified as likely benign based on ACMG/AMP sequence variant interpretation guidelines (Richards et al. 2015 PMID: 25741868, with internal and published modifications).

NM_213599.3(ANO5):c.1254A>G (p.Glu418=)

Gene: ANO5 (anoctamin 5; plus strand). Cytogenetic location: 11p14.3.
Variant type: single nucleotide variant.
Coding change: c.1254A>G on transcript NM_213599.3 (MANE Select); coding-DNA position 1254, A replaced by G.
Protein change: p.Glu418=; no amino-acid change (glutamic acid 418 retained).
Molecular consequence: synonymous variant.
Genome position (GRCh38, 1-based): chr11:22,255,444, A>G. VCF-style: chr11-22255444-A-G. GRCh37 (hg19) VCF-style: chr11-22276990-A-G.
Other names: c.1251A>G, p.Glu417= (NM_001142649.2).
Identifiers: ClinVar variation 705208 (VCV000705208.14), dbSNP rs368092838, ClinGen allele CA5923187.
Genomic context (GRCh38, chr11:22,255,444, plus strand): 5'-GGAGTTTTGGAAACAACGACAAGCCAGACTGGAATATGAATGGGACCTGGTGGACTTTGA[A>G]GAGGAACAGCAGCAGCTTCAGCTGAGACCAGAATTTGAAGCTATGTGTAAACACAGGAAA-3'
Protein context (NP_998764.1, residues 408-428): LEYEWDLVDF[Glu418=]EEQQQLQLRP